The following is an entry in ClinVar:

NM_004036.5(ADCY3):c.1921G>A (p.Val641Ile)

Gene: ADCY3 (adenylate cyclase 3; minus strand). Cytogenetic location: 2p23.3.
Variant type: single nucleotide variant.
Coding change: c.1921G>A on transcript NM_004036.5 (MANE Select); coding-DNA position 1921, G replaced by A.
Protein change: p.Val641Ile; replaces valine 641 with isoleucine.
Molecular consequence: missense variant.
Genome position (GRCh38, 1-based): chr2:24,834,531, C>T on the plus strand (G>A on the coding strand, the complement: ADCY3 is on the minus strand). VCF-style: chr2-24834531-C-T. GRCh37 (hg19) VCF-style: chr2-25057400-C-T.
Other names: c.1921G>A (NM_001320613.1); c.1921G>A, p.Val641Ile (NM_001320613.2, NM_001377129.1, NM_001377130.1 and 1 more transcripts); c.1987G>A, p.Val663Ile (NM_001377128.1); c.1198G>A, p.Val400Ile (NM_001377131.1); short protein forms V400I, V641I, V663I.
Identifiers: ClinVar variation 4235262 (VCV004235262.2).
Genomic context (GRCh38, chr2:24,834,531, plus strand): 5'-GGCCCCTCCCTCACCAGGGGTCGATGAGTATCTCGACCAGGGCCGTGCAGAGCAGGACGA[C>T]GCAGGAGCAGCTGAAGGCAGCCCCACTCTGCTTCTCCTTCTCCACCGAGTAGCGGGTTTC-3'
Protein context (NP_004027.2, residues 631-651): QSGAAFSCSC[Val641Ile]VLLCTALVEI

ClinVar aggregate classification (germline): Uncertain significance. Review status: criteria provided, multiple submitters, no conflicts (2 of 4 stars). 2 submissions from 2 submitters: Uncertain significance (2). Last evaluated 2026-06-16.

Conditions:
ADCY3-related disorder. Also called: ADCY3-related condition.
Inborn genetic diseases. Identifiers: MedGen C0950123, MeSH D030342.

gnomAD v4.1: 22 of 1,613,748 alleles (0.0014%); highest among the groups gnomAD compares: South Asian, 0.0099%; no homozygotes.

Submissions (2):

PreventionGenetics, part of Exact Sciences
Classification: Uncertain significance for ADCY3-related condition. Last evaluated: 2026-06-16. Review status: criteria provided, single submitter. Criteria: ACMG Guidelines, 2015. Collection method: clinical testing. Allele origin: germline.
Comment: The ADCY3 c.1921G>A variant is predicted to result in the amino acid substitution p.Val641Ile. To our knowledge, this variant has not been reported in the literature. This variant is reported in 0.0065% of alleles in individuals of South Asian descent in gnomAD. At this time, the clinical significance of this variant is uncertain due to the absence of conclusive functional and genetic evidence.

Ambry Genetics
Classification: Uncertain significance for Inborn genetic diseases. Last evaluated: 2025-08-11. Review status: criteria provided, single submitter. Criteria: Ambry Variant Classification Scheme 2023. Collection method: clinical testing. Allele origin: germline.